The following is an entry in ClinVar:

ClinVar aggregate classification (germline): Benign/Likely benign. Review status: criteria provided, multiple submitters, no conflicts (2 of 4 stars). 4 submissions from 4 submitters: Benign (3); Likely benign (1). Last evaluated 2026-02-04.

Submissions (4):

Labcorp Genetics (formerly Invitae), Labcorp
Classification: Benign. Last evaluated: 2026-02-04. Review status: criteria provided, single submitter. Criteria: Invitae Variant Classification Sherloc (09022015). Collection method: clinical testing. Allele origin: germline.

Blueprint Genetics
Classification: Likely benign. Last evaluated: 2024-11-27. Review status: criteria provided, single submitter. Criteria: ACMG Guidelines, 2015. Collection method: clinical testing. Allele origin: germline.

GeneDx
Classification: Benign. Last evaluated: 2018-11-10. Review status: criteria provided, single submitter. Criteria: GeneDx Variant Classification Process June 2021. Collection method: clinical testing. Allele origin: germline. Affected: yes.
Comment: This variant is associated with the following publications: (PMID: 22768050)

Breakthrough Genomics
Classification: Benign. Review status: criteria provided, single submitter. Criteria: ACMG Guidelines, 2015. Collection method: not provided. Allele origin: germline. Inheritance: Autosomal recessive inheritance. Affected: yes.

NM_139027.6(ADAMTS13):c.1716= (p.Thr572=)

Gene: ADAMTS13 (ADAM metallopeptidase with thrombospondin type 1 motif 13; plus strand). Cytogenetic location: 9q34.2.
Variant type: Variation.
Coding change: c.1716= on transcript NM_139027.6 (MANE Select); coding-DNA position 1716, no change from the reference sequence.
Protein change: p.Thr572=; no amino-acid change (threonine 572 retained).
Molecular consequence: no sequence alteration. On other transcripts: non-coding transcript variant (1).
Genome position: GRCh38 VCF-style: chr9-133439376-G-G. GRCh37 (hg19) VCF-style: chr9-136304497-A-G.
Other names: c.1716=, p.Thr572= (NM_139025.5); c.1623=, p.Thr541= (NM_139026.6).
Identifiers: ClinVar variation 1249402 (VCV001249402.11).